The following is an entry in ClinVar:

NM_006231.4(POLE):c.1625dup (p.His543fs)

Gene: POLE (DNA polymerase epsilon, catalytic subunit; minus strand). Cytogenetic location: 12q24.33.
Variant type: Duplication.
Coding change: c.1625dup on transcript NM_006231.4 (MANE Select); coding-DNA position 1625, one base duplicated (G; older notation c.1625dupG).
Protein change: p.His543fs; shifts the reading frame from histidine 543.
Molecular consequence: frameshift variant.
Genome position (GRCh38, 1-based): chr12:132,672,688, C duplicated on the plus strand (G on the coding strand, the reverse complement: POLE is on the minus strand); the first of 5 consecutive C bases (chr12:132,672,688-132,672,692); duplicating any one gives the same sequence. VCF-style (leftmost placement, unchanged base first): chr12-132672687-G-GC. GRCh37 (hg19) VCF-style: chr12-133249273-G-GC.
Other names: c.1625dupG (NM_006231.3); short protein forms H543fs.
Identifiers: ClinVar variation 571477 (VCV000571477.10), dbSNP rs1565971583, ClinGen allele CA891844346.

ClinVar aggregate classification (germline): Pathogenic (1 of 4 stars; one submission).

Submission:

Labcorp Genetics (formerly Invitae), Labcorp
Classification: Pathogenic. Last evaluated: 2022-05-27. Review status: criteria provided, single submitter. Criteria: Invitae Variant Classification Sherloc (09022015). Collection method: clinical testing. Allele origin: germline.
Comment: This sequence change creates a premature translational stop signal (p.His543Profs*19) in the POLE gene. It is expected to result in an absent or disrupted protein product. Loss-of-function variants in POLE are known to be pathogenic (PMID: 23230001, 25948378, 30503519). This variant is not present in population databases (gnomAD no frequency). This variant has not been reported in the literature in individuals affected with POLE-related conditions. ClinVar contains an entry for this variant (Variation ID: 571477). For these reasons, this variant has been classified as Pathogenic.

Literature cited by the submitters: PubMed 23230001; PubMed 25948378; PubMed 30503519.